The following is an entry in ClinVar:

NM_053274.3(GLMN):c.1405_1406del (p.Ser468_Asp469insTer)

Gene: GLMN (glomulin; minus strand). Cytogenetic location: 1p22.1.
Variant type: Deletion.
Coding change: c.1405_1406del on transcript NM_053274.3 (MANE Select); coding-DNA positions 1405 to 1406, 2 bases deleted (GA; older notation c.1405_1406delGA).
Protein change: p.Ser468_Asp469insTer.
Molecular consequence: nonsense. On other transcripts: non-coding transcript variant (1).
Genome position (GRCh38, 1-based): chr1:92,263,626-92,263,627, TC deleted on the plus strand (GA on the coding strand, the reverse complement: GLMN is on the minus strand); deleting any 2 consecutive bases within chr1:92,263,626-92,263,628 gives the same sequence; the c. name uses the placement nearest the transcript's 3' end. VCF-style (leftmost placement, unchanged base first): chr1-92263625-ATC-A. GRCh37 (hg19) VCF-style: chr1-92729182-ATC-A.
Other names: c.1363_1364del, p.Ser454_Asp455insTer (NM_001319683.2).
Identifiers: ClinVar variation 3899333 (VCV003899333.3).

ClinVar aggregate classification (germline): Likely pathogenic (1 of 4 stars; one submission).

Conditions:
Glomuvenous malformation. Also called: GLOMANGIOMAS, MULTIPLE; GLOMUS TUMORS, MULTIPLE; VENOUS MALFORMATIONS WITH GLOMUS CELLS; Familial glomangioma. Identifiers: Orphanet 83454, MedGen C1841984, MONDO:0007672, OMIM 138000.

Submission:

Juno Genomics, Hangzhou Juno Genomics, Inc
Classification: Likely pathogenic for Glomuvenous malformation. Review status: criteria provided, single submitter. Criteria: ACMG Guidelines, 2015. Collection method: clinical testing. Allele origin: germline.
Comment: Absent from controls (or at extremely low frequency if recessive) in Genome Aggregation Database.;Null variant in a gene where loss of function (LOF) is a known mechanism of disease.